The following is an entry in ClinVar:

NM_001080449.3(DNA2):c.514A>C (p.Asn172His)

Gene: DNA2 (DNA replication helicase/nuclease 2; minus strand). Cytogenetic location: 10q21.3.
Variant type: single nucleotide variant.
Coding change: c.514A>C on transcript NM_001080449.3 (MANE Select); coding-DNA position 514, A replaced by C.
Protein change: p.Asn172His; replaces asparagine 172 with histidine.
Molecular consequence: missense variant. On other transcripts: non-coding transcript variant (1).
Genome position (GRCh38, 1-based): chr10:68,465,740, T>G on the plus strand (A>C on the coding strand, the complement: DNA2 is on the minus strand). VCF-style: chr10-68465740-T-G. GRCh37 (hg19) VCF-style: chr10-70225497-T-G.
Other names: short protein forms N172H.
Identifiers: ClinVar variation 2114733 (VCV002114733.28), dbSNP rs1470314119, ClinGen allele CA376828261.

ClinVar aggregate classification (germline): Uncertain significance. Review status: criteria provided, multiple submitters, no conflicts (2 of 4 stars). 2 submissions from 2 submitters: Uncertain significance (2). Last evaluated 2023-04-01.

Allele frequency attached by ClinVar (database versions not stated): TOPMed below 0.00001.
gnomAD v4.1: 1 of 1,609,196 alleles (0.000062%); highest among the groups gnomAD compares: Non-Finnish European, 0.000085%; no homozygotes.

Submissions (2):

CeGaT Center for Human Genetics Tuebingen
Classification: Uncertain significance. Last evaluated: 2023-04-01. Review status: criteria provided, single submitter. Criteria: CeGaT Center For Human Genetics Tuebingen Variant Classification Criteria Version 2. Collection method: clinical testing. Allele origin: germline. Affected: yes. Observed: 1 variant allele.
Comment: DNA2: PM2

Labcorp Genetics (formerly Invitae), Labcorp
Classification: Uncertain significance. Last evaluated: 2022-09-01. Review status: criteria provided, single submitter. Criteria: Invitae Variant Classification Sherloc (09022015). Collection method: clinical testing. Allele origin: germline.
Comment: In summary, the available evidence is currently insufficient to determine the role of this variant in disease. Therefore, it has been classified as a Variant of Uncertain Significance. Algorithms developed to predict the effect of missense changes on protein structure and function are either unavailable or do not agree on the potential impact of this missense change (SIFT: "Tolerated"; PolyPhen-2: "Not Available"; Align-GVGD: "Class C0"). This variant has not been reported in the literature in individuals affected with DNA2-related conditions. This variant is not present in population databases (gnomAD no frequency). This sequence change replaces asparagine, which is neutral and polar, with histidine, which is basic and polar, at codon 172 of the DNA2 protein (p.Asn172His).